The following is an entry in ClinVar:

ClinVar aggregate classification (germline): Uncertain significance. Review status: criteria provided, multiple submitters, no conflicts (2 of 4 stars). 2 submissions from 2 submitters: Uncertain significance (2). Last evaluated 2024-07-14.

Conditions:
Woodhouse-Sakati syndrome. Also called: EXTRAPYRAMIDAL DISORDER, PROGRESSIVE, WITH PRIMARY HYPOGONADISM, MENTAL RETARDATION, AND ALOPECIA; Hypogonadism, Alopecia, Diabetes Mellitus, Mental Retardation, and Extrapyramidal Syndrome; Hypogonadism, diabetes mellitus, alopecia, mental retardation and electrocardiographic abnormalities. Identifiers: Orphanet 3464, MedGen C0342286, MONDO:0009419, OMIM 241080.
Inborn genetic diseases. Identifiers: MedGen C0950123, MeSH D030342.

Allele frequency attached by ClinVar (database versions not stated): gnomAD exomes below 0.00001; TOPMed 0.00001; gnomAD 0.00003.
gnomAD v4.1: 5 of 1,613,414 alleles (0.00031%); highest among the groups gnomAD compares: African/African-American, 0.0067%; no homozygotes.

Submissions (2):

Ambry Genetics
Classification: Uncertain significance for Inborn genetic diseases. Last evaluated: 2024-07-14. Review status: criteria provided, single submitter. Criteria: Ambry Variant Classification Scheme 2023. Collection method: clinical testing. Allele origin: germline.

Labcorp Genetics (formerly Invitae), Labcorp
Classification: Uncertain significance for Woodhouse-Sakati syndrome. Last evaluated: 2022-03-23. Review status: criteria provided, single submitter. Criteria: Invitae Variant Classification Sherloc (09022015). Collection method: clinical testing. Allele origin: germline.
Comment: In summary, the available evidence is currently insufficient to determine the role of this variant in disease. Therefore, it has been classified as a Variant of Uncertain Significance. This variant has not been reported in the literature in individuals affected with DCAF17-related conditions. Algorithms developed to predict the effect of missense changes on protein structure and function are either unavailable or do not agree on the potential impact of this missense change (SIFT: "Deleterious"; PolyPhen-2: "Possibly Damaging"; Align-GVGD: "Class C0"). This variant is present in population databases (no rsID available, gnomAD 0.01%). This sequence change replaces isoleucine, which is neutral and non-polar, with threonine, which is neutral and polar, at codon 426 of the DCAF17 protein (p.Ile426Thr).

NM_025000.4(DCAF17):c.1277T>C (p.Ile426Thr)

Gene: DCAF17 (DDB1 and CUL4 associated factor 17; plus strand). Cytogenetic location: 2q31.1.
Variant type: single nucleotide variant.
Coding change: c.1277T>C on transcript NM_025000.4 (MANE Select); coding-DNA position 1277, T replaced by C.
Protein change: p.Ile426Thr; replaces isoleucine 426 with threonine.
Molecular consequence: missense variant. On other transcripts: non-coding transcript variant (1).
Genome position (GRCh38, 1-based): chr2:171,480,048, T>C. VCF-style: chr2-171480048-T-C. GRCh37 (hg19) VCF-style: chr2-172336558-T-C.
Other names: c.1277T>C (NM_025000.3); c.1076T>C, p.Ile359Thr (NM_001164821.2); short protein forms I359T, I426T.
Identifiers: ClinVar variation 2184276 (VCV002184276.5), dbSNP rs1397484824, ClinGen allele CA349279405.